The following is an entry in ClinVar:

ClinVar aggregate classification (germline): Pathogenic. Review status: criteria provided, multiple submitters, no conflicts (2 of 4 stars). 3 submissions from 3 submitters: Pathogenic (3). Last evaluated 2026-05-18.

Conditions:
Hereditary cancer-predisposing syndrome. Also called: Neoplastic Syndromes, Hereditary; Hereditary neoplastic syndrome; Hereditary Cancer Syndrome; Tumor predisposition. Identifiers: Orphanet 140162, MedGen C0027672, MeSH D009386, MONDO:0015356.
Inherited breast cancer and ovarian cancer.

Submissions (3):

Genetics Laboratory, Great Ormond Street Hospital NHS Foundation Trust, North Thames Genomic Laboratory Hub
Classification: Pathogenic for Inherited breast cancer and ovarian cancer. Last evaluated: 2026-05-18. Review status: criteria provided, single submitter. Criteria: CanVIG BRCA Gene Specific V1.22. Collection method: clinical testing. Allele origin: germline. Affected: yes.
Comment: PM2_moderate, PVS1_very-strong, PM5_strong

Ambry Genetics
Classification: Pathogenic for Hereditary cancer-predisposing syndrome. Last evaluated: 2022-12-21. Review status: criteria provided, single submitter. Criteria: Ambry Variant Classification Scheme 2023. Collection method: clinical testing. Allele origin: germline.
Comment: The p.E1482* variant (also known as c.4444G>T), located in coding exon 10 of the BRCA2 gene, results from a G to T substitution at nucleotide position 4444. This changes the amino acid from a glutamic acid to a stop codon within coding exon 10. This variant is considered to be rare based on population cohorts in the Genome Aggregation Database (gnomAD). This alteration is expected to result in loss of function by premature protein truncation or nonsense-mediated mRNA decay. As such, this alteration is interpreted as a disease-causing mutation.

Quest Diagnostics Nichols Institute San Juan Capistrano
Classification: Pathogenic. Last evaluated: 2019-04-18. Review status: criteria provided, single submitter. Criteria: Quest Diagnostics criteria. Collection method: clinical testing. Allele origin: germline.
Comment: The variant creates a premature nonsense codon, and is therefore predicted to result in the loss of a functional protein. Found in at least one symptomatic patient, and not found in general population data.

NM_000059.4(BRCA2):c.4444G>T (p.Glu1482Ter)

Gene: BRCA2 (BRCA2 DNA repair associated; plus strand). Cytogenetic location: 13q13.1.
Variant type: single nucleotide variant.
Coding change: c.4444G>T on transcript NM_000059.4 (MANE Select); coding-DNA position 4444, G replaced by T.
Protein change: p.Glu1482Ter; replaces glutamic acid 1482 with a stop codon.
Molecular consequence: nonsense.
Genome position (GRCh38, 1-based): chr13:32,338,799, G>T. VCF-style: chr13-32338799-G-T. GRCh37 (hg19) VCF-style: chr13-32912936-G-T.
Other names: short protein forms E1482*.
Identifiers: ClinVar variation 801107 (VCV000801107.5), dbSNP rs1002900129, ClinGen allele CA387781349.